The following is an entry in ClinVar:

ClinVar aggregate classification (germline): Likely benign (1 of 4 stars; one submission).

Allele frequency attached by ClinVar (database versions not stated): 1000 Genomes Project 30x 0.00265; 1000 Genomes Project 0.00260; TOPMed 0.00579.
gnomAD v4.1: 815 of 131,770 alleles (0.62%); highest among the groups gnomAD compares: Admixed American, 0.8%; 6 homozygotes.

Submission:

CeGaT Center for Human Genetics Tuebingen
Classification: Likely benign. Last evaluated: 2023-03-01. Review status: criteria provided, single submitter. Criteria: CeGaT Center For Human Genetics Tuebingen Variant Classification Criteria Version 2. Collection method: clinical testing. Allele origin: germline. Affected: yes. Observed: 2 variant alleles.
Comment: CFAP276: BS1

NM_001122961.3(CFAP276):c.45+725G>T

Gene: CFAP276 (cilia and flagella associated protein 276; minus strand). Cytogenetic location: 1p13.3.
Variant type: single nucleotide variant.
Coding change: c.45+725G>T on transcript NM_001122961.3; 725 bases into the intron after coding-DNA position 45, G replaced by T.
Molecular consequence: intron variant.
Genome position (GRCh38, 1-based): chr1:109,112,908, C>A on the plus strand (G>T on the coding strand, the complement: CFAP276 is on the minus strand). VCF-style: chr1-109112908-C-A. GRCh37 (hg19) VCF-style: chr1-109655530-C-A.
Other names: c.45+725G>T (NM_001366200.3, NM_001366202.3).
Identifiers: ClinVar variation 2498411 (VCV002498411.25), dbSNP rs569700390, ClinGen allele CA28643361.